The following is an entry in ClinVar:

NM_003661.4(APOL1):c.334C>T (p.Arg112Cys)

Gene: APOL1 (apolipoprotein L1; plus strand). Cytogenetic location: 22q12.3.
Variant type: single nucleotide variant.
Coding change: c.334C>T on transcript NM_003661.4 (MANE Select); coding-DNA position 334, C replaced by T.
Protein change: p.Arg112Cys; replaces arginine 112 with cysteine.
Molecular consequence: missense variant.
Genome position (GRCh38, 1-based): chr22:36,265,170, C>T. VCF-style: chr22-36265170-C-T. GRCh37 (hg19) VCF-style: chr22-36661216-C-T.
Other names: c.334C>T, p.Arg112Cys (NM_001136540.2); c.382C>T, p.Arg128Cys (NM_145343.3); c.280C>T, p.Arg94Cys (NM_001136541.2, NM_001362927.2); short protein forms R128C, R112C, R94C.
Identifiers: ClinVar variation 1032145 (VCV001032145.8), dbSNP rs146078613, ClinGen allele CA10208663.

ClinVar aggregate classification (germline): Uncertain significance. Review status: criteria provided, multiple submitters, no conflicts (2 of 4 stars). 3 submissions from 3 submitters: Uncertain significance (3). Last evaluated 2025-06-12.

Conditions:
Focal segmental glomerulosclerosis 4, susceptibility to (FSGS4). Identifiers: Orphanet 84271, MedGen C2675525, MONDO:0012931, OMIM 612551.

Allele frequency attached by ClinVar (database versions not stated): gnomAD 0.00001 and 0.00002; ExAC 0.00002; gnomAD exomes 0.00002; TOPMed 0.00002; ESP Exome Variant Server 0.00008.
gnomAD v4.1: 33 of 1,614,082 alleles (0.002%); highest among the groups gnomAD compares: South Asian, 0.0044%; no homozygotes.

Submissions (3):

Labcorp Genetics (formerly Invitae), Labcorp
Classification: Uncertain significance. Last evaluated: 2025-06-12. Review status: criteria provided, single submitter. Criteria: Invitae Variant Classification Sherloc (09022015). Collection method: clinical testing. Allele origin: germline.
Comment: This sequence change replaces arginine, which is basic and polar, with cysteine, which is neutral and slightly polar, at codon 112 of the APOL1 protein (p.Arg112Cys). This variant is present in population databases (rs146078613, gnomAD 0.003%). This variant has not been reported in the literature in individuals affected with APOL1-related conditions. ClinVar contains an entry for this variant (Variation ID: 1032145). An algorithm developed to predict the effect of missense changes on protein structure and function outputs the following: PolyPhen-2: "Benign". The cysteine amino acid residue is found in multiple mammalian species, which suggests that this missense change does not adversely affect protein function. In summary, the available evidence is currently insufficient to determine the role of this variant in disease. Therefore, it has been classified as a Variant of Uncertain Significance.

Ambry Genetics
Classification: Uncertain significance. Last evaluated: 2025-03-27. Review status: criteria provided, single submitter. Criteria: Ambry Variant Classification Scheme 2023. Collection method: clinical testing. Allele origin: germline.

Baylor Genetics
Classification: Uncertain significance for Focal segmental glomerulosclerosis 4, susceptibility to. Last evaluated: 2018-08-22. Review status: criteria provided, single submitter. Criteria: ACMG Guidelines, 2015. Collection method: clinical testing. Allele origin: de novo. Affected: yes.
Comment: This variant was determined to be of uncertain significance according to ACMG Guidelines, 2015 [PMID:25741868].